The following is an entry in ClinVar:

NM_201253.3(CRB1):c.2043T>G (p.Cys681Trp)

Gene: CRB1 (crumbs cell polarity complex component 1; plus strand). Cytogenetic location: 1q31.3.
Variant type: single nucleotide variant.
Coding change: c.2043T>G on transcript NM_201253.3 (MANE Select); coding-DNA position 2043, T replaced by G.
Protein change: p.Cys681Trp; replaces cysteine 681 with tryptophan.
Molecular consequence: missense variant. On other transcripts: non-coding transcript variant (2).
Genome position (GRCh38, 1-based): chr1:197,421,871, T>G. VCF-style: chr1-197421871-T-G. GRCh37 (hg19) VCF-style: chr1-197391001-T-G.
Other names: c.1707T>G, p.Cys569Trp (NM_001193640.2); c.1836T>G, p.Cys612Trp (NM_001257965.2); c.2043T>G, p.Cys681Trp (NM_001257966.2); short protein forms C569W, C612W, C681W.
Identifiers: ClinVar variation 1065644 (VCV001065644.1), dbSNP rs2125471930, ClinGen allele CA344033701.

ClinVar aggregate classification (germline): Uncertain significance (1 of 4 stars; one submission).

Conditions:
Retinitis pigmentosa 12 (RP12). Also called: RP WITH OR WITHOUT PPRPE; RP WITH OR WITHOUT PRESERVED PARAARTERIOLE RETINAL PIGMENT EPITHELIUM; RETINITIS PIGMENTOSA WITH OR WITHOUT PARAARTERIOLAR PRESERVATION OF RETINAL PIGMENT EPITHELIUM. Identifiers: Orphanet 791, MedGen C1838647, MONDO:0010818, OMIM 600105.

Submission:

Ocular Genomics Institute, Massachusetts Eye and Ear
Classification: Uncertain significance for Retinitis pigmentosa 12. Last evaluated: 2021-04-08. Review status: criteria provided, single submitter. Criteria: ACMG Guidelines, 2015. Collection method: research. Allele origin: germline. Affected: yes.
Comment: Through a review of available evidence we were able to apply the following criteria: PM2, PM5. Based on this evidence we have classified this variant as Variant of Uncertain Significance.